The following is an entry in ClinVar:

NM_001135022.2(ELMOD3):c.449G>A (p.Arg150Gln)

Gene: ELMOD3 (ELMO domain containing 3; plus strand). Cytogenetic location: 2p11.2.
Variant type: single nucleotide variant.
Coding change: c.449G>A on transcript NM_001135022.2 (MANE Select); coding-DNA position 449, G replaced by A.
Protein change: p.Arg150Gln; replaces arginine 150 with glutamine.
Molecular consequence: missense variant. On other transcripts: non-coding transcript variant (3).
Genome position (GRCh38, 1-based): chr2:85,371,174, G>A. VCF-style: chr2-85371174-G-A. GRCh37 (hg19) VCF-style: chr2-85598297-G-A.
Other names: c.449G>A, p.Arg150Gln (NM_001135021.2, NM_001135023.2, NM_001329791.2 and 3 more transcripts); c.449G>A (NM_001135021.1); short protein forms R150Q.
Identifiers: ClinVar variation 3275188 (VCV003275188.2).

ClinVar aggregate classification (germline): Uncertain significance. Review status: criteria provided, multiple submitters, no conflicts (2 of 4 stars). 2 submissions from 2 submitters: Uncertain significance (2). Last evaluated 2024-11-12.

Conditions:
ELMOD3-related disorder. Also called: ELMOD3-related condition.

gnomAD v4.1: 21 of 1,614,144 alleles (0.0013%); highest among the groups gnomAD compares: East Asian, 0.013%; no homozygotes.

Submissions (2):

PreventionGenetics, part of Exact Sciences
Classification: Uncertain significance for ELMOD3-related condition. Last evaluated: 2024-11-12. Review status: criteria provided, single submitter. Criteria: ACMG Guidelines, 2015. Collection method: clinical testing. Allele origin: germline.
Comment: The ELMOD3 c.449G>A variant is predicted to result in the amino acid substitution p.Arg150Gln. To our knowledge, this variant has not been reported in the literature. This variant is reported in 0.020% of alleles in individuals of East Asian descent in gnomAD. At this time, the clinical significance of this variant is uncertain due to the absence of conclusive functional and genetic evidence.

Ambry Genetics
Classification: Uncertain significance. Last evaluated: 2024-06-02. Review status: criteria provided, single submitter. Criteria: Ambry Variant Classification Scheme 2023. Collection method: clinical testing. Allele origin: germline.